The following is an entry in ClinVar:

NM_001001433.3(STX16):c.454G>A (p.Glu152Lys)

Genes: STX16 (syntaxin 16; plus strand), STX16-NPEPL1 (STX16-NPEPL1 readthrough (NMD candidate); plus strand). Cytogenetic location: 20q13.32.
Variant type: single nucleotide variant.
Coding change: c.454G>A on transcript NM_001001433.3 (MANE Select); coding-DNA position 454, G replaced by A.
Protein change: p.Glu152Lys; replaces glutamic acid 152 with lysine.
Molecular consequence: missense variant. On other transcripts: non-coding transcript variant (1).
Genome position (GRCh38, 1-based): chr20:58,669,351, G>A. VCF-style: chr20-58669351-G-A. GRCh37 (hg19) VCF-style: chr20-57244407-G-A.
Other names: c.442G>A, p.Glu148Lys (NM_001134772.3); c.403G>A, p.Glu135Lys (NM_001134773.3); c.295G>A, p.Glu99Lys (NM_001204868.2); c.391G>A, p.Glu131Lys (NM_003763.6); short protein forms E131K, E135K, E152K, E148K, E99K.
Identifiers: ClinVar variation 898460 (VCV000898460.4), dbSNP rs759831553, ClinGen allele CA9925323.

ClinVar aggregate classification (germline): Benign (1 of 4 stars; one submission).

Conditions:
Pseudohypoparathyroidism type 1B (PHP1B). Also called: Pseudohypoparathyroidism Ib (PHP-Ib); Pseudohypoparathyroidism Type IB; PHP IB. Identifiers: Orphanet 94089, MedGen C1864100, MONDO:0011301, OMIM 603233.

Allele frequency attached by ClinVar (database versions not stated): gnomAD 0.00001; TOPMed 0.00001; gnomAD exomes 0.00002; ExAC 0.00004.

Submission:

Illumina Laboratory Services, Illumina
Classification: Benign for Pseudohypoparathyroidism type 1B. Last evaluated: 2018-01-13. Review status: criteria provided, single submitter. Criteria: ICSL Variant Classification Criteria 13 December 2019. Collection method: clinical testing. Allele origin: germline.
Comment: This variant was observed in the ICSL laboratory as part of a predisposition screen in an ostensibly healthy population. It had not been previously curated by ICSL or reported in the Human Gene Mutation Database (HGMD: prior to June 1st, 2018), and was therefore a candidate for classification through an automated scoring system. Utilizing variant allele frequency, disease prevalence and penetrance estimates, and inheritance mode, an automated score was calculated to assess if this variant is too frequent to cause the disease. Based on the score and internal cut-off values, a variant classified as benign is not then subjected to further curation. The score for this variant resulted in a classification of benign for this disease.